The following is an entry in ClinVar:

NM_001103146.3(GIGYF2):c.241C>T (p.Leu81=)

Gene: GIGYF2 (GRB10 interacting GYF protein 2; plus strand). Cytogenetic location: 2q37.1.
Variant type: single nucleotide variant.
Coding change: c.241C>T on transcript NM_001103146.3 (MANE Select); coding-DNA position 241, C replaced by T.
Protein change: p.Leu81=; no amino-acid change (leucine 81 retained).
Molecular consequence: synonymous variant. On other transcripts: non-coding transcript variant (1).
Genome position (GRCh38, 1-based): chr2:232,749,056, C>T. VCF-style: chr2-232749056-C-T. GRCh37 (hg19) VCF-style: chr2-233613766-C-T.
Other names: c.241C>T, p.Leu81= (NM_001103147.2, NM_001103148.2, NM_015575.4).
Identifiers: ClinVar variation 3033809 (VCV003033809.2), dbSNP rs374831276, ClinGen allele CA2169795.

ClinVar aggregate classification (germline): Likely benign (0 of 4 stars; one submission).

Conditions:
GIGYF2-related disorder. Also called: GIGYF2-related condition.

Allele frequency attached by ClinVar (database versions not stated): gnomAD exomes 0.00009; gnomAD 0.00013; ExAC 0.00014; TOPMed 0.00014; ESP Exome Variant Server 0.00015.
gnomAD v4.1: 153 of 1,593,146 alleles (0.0096%); highest among the groups gnomAD compares: Middle Eastern, 0.017%; no homozygotes.

Submission:

PreventionGenetics, part of Exact Sciences
Classification: Likely benign for GIGYF2-related condition. Last evaluated: 2019-03-08. Review status: no assertion criteria provided. Collection method: clinical testing. Allele origin: germline.
Comment: This variant is classified as likely benign based on ACMG/AMP sequence variant interpretation guidelines (Richards et al. 2015 PMID: 25741868, with internal and published modifications).